The following is an entry in ClinVar:

NM_001378454.1(ALMS1):c.8137A>G (p.Thr2713Ala)

Gene: ALMS1 (ALMS1 centrosome and basal body associated protein; plus strand). Cytogenetic location: 2p13.1.
Variant type: single nucleotide variant.
Coding change: c.8137A>G on transcript NM_001378454.1 (MANE Select); coding-DNA position 8137, A replaced by G.
Protein change: p.Thr2713Ala; replaces threonine 2713 with alanine.
Molecular consequence: missense variant.
Genome position (GRCh38, 1-based): chr2:73,490,096, A>G. VCF-style: chr2-73490096-A-G. GRCh37 (hg19) VCF-style: chr2-73717223-A-G.
Other names: c.8140A>G, p.Thr2714Ala (NM_015120.4); short protein forms T2713A, T2714A.
Identifiers: ClinVar variation 3351207 (VCV003351207.1).

ClinVar aggregate classification (germline): Uncertain significance (0 of 4 stars; one submission).

Conditions:
ALMS1-related disorder. Also called: ALMS1-related condition.

gnomAD v4.1: 7 of 1,614,110 alleles (0.00043%); highest among the groups gnomAD compares: Non-Finnish European, 0.00059%; no homozygotes.

Submission:

PreventionGenetics, part of Exact Sciences
Classification: Uncertain significance for ALMS1-related condition. Last evaluated: 2023-12-04. Review status: no assertion criteria provided. Collection method: clinical testing. Allele origin: germline.
Comment: The ALMS1 c.8140A>G variant is predicted to result in the amino acid substitution p.Ile2714Val. To our knowledge, this variant has not been reported in the literature. This variant is reported in 0.013% of alleles in individuals of South Asian descent in gnomAD. At this time, the clinical significance of this variant is uncertain due to the absence of conclusive functional and genetic evidence.